The following is an entry in ClinVar:

ClinVar aggregate classification (germline): Conflicting classifications of pathogenicity. Review status: criteria provided, conflicting classifications (1 of 4 stars). 16 submissions from 16 submitters: Pathogenic (2); Uncertain significance (11). 3 of the submissions do not count toward it. Last evaluated 2026-01-25.

Conditions:
Hypertrophic cardiomyopathy 4. Also called: Familial hypertrophic cardiomyopathy 4. Identifiers: MedGen C1861862, MONDO:0007268, OMIM 115197.
Left ventricular noncompaction 10 (LVNC10). Identifiers: Orphanet 154, Orphanet 54260, MedGen C3715165, MONDO:0014163, OMIM 615396.
Cardiomyopathy (CMYO). Also called: Cardiomyopathies. Identifiers: Orphanet 167848, MedGen C0878544, MONDO:0004994, HP:0001638. Inheritance: Various modes of inheritance.
Hypertrophic cardiomyopathy. Also called: HYPERTROPHIC MYOCARDIOPATHY. Identifiers: Orphanet 217569, MedGen C0007194, MeSH D002312, MONDO:0005045, HP:0001639.

Allele frequency attached by ClinVar (database versions not stated): gnomAD 0.00002; TOPMed 0.00002; ESP Exome Variant Server 0.00008.
gnomAD v4.1: 36 of 1,613,604 alleles (0.0022%); highest among the groups gnomAD compares: African/African-American, 0.0027%; no homozygotes.

Submissions (16):

Labcorp Genetics (formerly Invitae), Labcorp
Classification: Uncertain significance for Hypertrophic cardiomyopathy. Last evaluated: 2026-01-25. Review status: criteria provided, single submitter. Criteria: Invitae Variant Classification Sherloc (09022015). Collection method: clinical testing. Allele origin: germline.
Comment: This sequence change falls in intron 16 of the MYBPC3 gene. It does not directly change the encoded amino acid sequence of the MYBPC3 protein. This variant is present in population databases (rs375347534, gnomAD 0.007%). This variant has been observed in individuals with hypertrophic cardiomyopathy (PMID: 12566107, 15114369, 31513939; internal data). This variant is also known as g.10899G>A and IVS16-6G>A. ClinVar contains an entry for this variant (Variation ID: 42533). Algorithms developed to predict the effect of sequence changes on RNA splicing suggest that this variant may disrupt the consensus splice site. In summary, the available evidence is currently insufficient to determine the role of this variant in disease. Therefore, it has been classified as a Variant of Uncertain Significance.

Genomic Medicine Center of Excellence, King Faisal Specialist Hospital and Research Centre
Classification: Uncertain significance for Hypertrophic cardiomyopathy 4. Last evaluated: 2024-12-18. Review status: criteria provided, single submitter. Criteria: ACMG Guidelines, 2015. Collection method: clinical testing. Allele origin: germline.

Color Diagnostics, LLC DBA Color Health
Classification: Uncertain significance for Cardiomyopathy. Last evaluated: 2024-05-02. Review status: criteria provided, single submitter. Criteria: ACMG Guidelines, 2015. Collection method: clinical testing. Allele origin: germline.
Comment: This variant causes a G to A nucleotide substitution at the -6 position of intron 16 of the MYBPC3 gene. Splice site prediction tools predict that this variant may have a significant impact on RNA splicing. To our knowledge, RNA studies have not been reported for this variant. One functional study using cardiac tissue derived from a carrier individual has shown that this variant does not cause a significant reduction in cMyBP protein level compared to wild-type (PMID: 36082122). This variant has been reported in several unrelated individuals affected with hypertrophic cardiomyopathy, one of whom also carried a pathogenic variant in the MYH7 gene (PMID: 12566107, 15114369, 19035361, 31513939, 33495596, 36082122). This variant has been identified in 10/248536 chromosomes in the general population by the Genome Aggregation Database (gnomAD). The available evidence is insufficient to determine the role of this variant in disease conclusively. Therefore, this variant is classified as a Variant of Uncertain Significance.

Blueprint Genetics
Classification: Uncertain significance. Last evaluated: 2024-03-19. Review status: criteria provided, single submitter. Criteria: ACMG Guidelines, 2015. Collection method: clinical testing. Allele origin: germline.

Lildballe Lab, Aarhus University Hospital
Classification: Uncertain significance for Hypertrophic cardiomyopathy. Last evaluated: 2024-03-01. Review status: criteria provided, single submitter. Criteria: ACMG Guidelines, 2015. Collection method: research. Allele origin: germline. Affected: yes.
Comment: PP3(m), PM2(s), PP5(noinf)

Department of Pathology and Laboratory Medicine, Sinai Health System
Classification: Uncertain significance for Hypertrophic cardiomyopathy 4; Left ventricular noncompaction 10. Last evaluated: 2022-07-13. Review status: criteria provided, single submitter. Criteria: ACMG Guidelines, 2015. Collection method: research. Allele origin: germline.

Victorian Clinical Genetics Services, Murdoch Childrens Research Institute
Classification: Uncertain significance for Hypertrophic cardiomyopathy 4. Last evaluated: 2022-06-24. Review status: criteria provided, single submitter. Criteria: ACMG Guidelines, 2015. Collection method: clinical testing. Allele origin: germline. Inheritance: Autosomal dominant inheritance. Affected: yes.
Comment: Based on the classification scheme VCGS_Germline_v1.3.4, this variant is classified as VUS-3B. Following criteria are met: 0102 - Loss of function is a known mechanism of disease in this gene and is associated with hypertrophic cardiomyopathy 4 (HCM; MIM#115197). (I) 0108 - This gene is associated with both recessive and dominant disease. Dominant inheritance is frequently reported in adult onset conditions, however recessive inheritance results in a more severe early onset phenotype (OMIM). (I) 0115 - Variants in this gene are known to have variable expressivity for HCM. (PMID: 32841044). (I) 0212 - Non-canonical splice site variant without proven consequence on splicing. Minigene assay did not show significant splice alterations (PMID: 28679633). (I) 0251 - This variant is heterozygous. (I) 0304 - Variant is present in gnomAD <0.01 (v2 & v3: 13 heterozygotes, 0 homozygotes). (SP) 0311 - An alternative nucleotide change at the same non-canonical splice site, is present in gnomAD (v2 & v3: 2 heterozygotes, 0 homozygotes). (I) 0508 - In silico predictions for abnormal splicing are conflicting. (I) 0705 - No comparable non-canonical splice site variants have previous evidence for pathogenicity. c.1458-6G>T has been reported as benign, however no further information was provided (LOVD). (I) 0808 - Previous reports of pathogenicity for this variant are conflicting. It has been reported in multiple individuals with HCM, including once as pathogenic (PMID: 30847666), however majority of the reports regarded it as a VUS (cardiodb, PMIDs: 15114369, 19035361, 26743238, 29121657). It has also been reported multiple times as pathogenic and VUS in ClinVar. (I) 0905 - No published segregation evidence has been identified for this variant. (I) 1208 - Inheritance information for this variant is not currently available in this individual. (I) Legend: (SP) - Supporting pathogenic, (I) - Information, (SB) - Supporting benign

GeneDx
Classification: Uncertain significance. Last evaluated: 2020-09-08. Review status: criteria provided, single submitter. Criteria: GeneDx Variant Classification Process June 2021. Collection method: clinical testing. Allele origin: germline. Affected: yes.
Comment: Reported in two affected individuals from one family with HCM, however, both of these individuals also harbored a missense variant in the MYH7 gene and an additional affected relative harbored only the MYH7 missense variant (Havndrup et al., 2013); In-silico analysis, which includes splice predictors and evolutionary conservation, is inconclusive as to whether the variant alters gene splicing; in the absence of RNA/functional studies, the actual effect of this sequence change is unknown; Reported in ClinVar but additional evidence is not available (ClinVar Variant ID# 42533; Landrum et al., 2016); This variant is associated with the following publications: (PMID: 15114369, 31513939, 12566107, 29121657, 28679633, 31737537, 30847666)

Laboratory for Molecular Medicine, Mass General Brigham Personalized Medicine
Classification: Uncertain significance. Last evaluated: 2019-08-29. Review status: criteria provided, single submitter. Criteria: LMM Criteria. Collection method: clinical testing. Allele origin: germline. Observed: 7 variant alleles.
Comment: The c.1458-6G>A variant has been reported in 1 family with HCM that also carried a second variant in MYH7 (Arg694Cys) that was felt to be the primary cause of disease (Andersen 2004). In addition, this variant was identified in 3 individuals with HCM, one of whom carried a pathogenic MYBPC3 variant (LMM data). It has also been identified in 10/248536 chromosomes by gnomAD and reported in ClinVar (Variation ID #42533). This variant is located in the 3' splice region and computational tools predict a possible impact on splicing. In summary, the clinical significance of this variant is uncertain. ACMG/AMP Criteria applied: PP3.

Center for Human Genetics, University of Leuven
Classification: Uncertain significance for Hypertrophic cardiomyopathy. Last evaluated: 2018-10-31. Review status: criteria provided, single submitter. Criteria: ACMG Guidelines, 2015. Collection method: clinical testing. Allele origin: germline. Affected: yes.

CHEO Genetics Diagnostic Laboratory, Children's Hospital of Eastern Ontario
Classification: Uncertain significance for Cardiomyopathy. Last evaluated: 2017-09-29. Review status: criteria provided, single submitter. Criteria: ACMG Guidelines, 2015. Collection method: clinical testing. Allele origin: germline. Study: Canadian Open Genetics Repository.

Clinical Genetics DNA and cytogenetics Diagnostics Lab, Erasmus MC, Erasmus Medical Center
Classification: Pathogenic for Hypertrophic cardiomyopathy 4. Last evaluated: 2017-05-31. Review status: criteria provided, single submitter. Criteria: ACGS Guidelines, 2013. Collection method: clinical testing. Allele origin: germline. Affected: yes. Study: VKGL Data-share Consensus.

Genome Diagnostics Laboratory, University Medical Center Utrecht
Classification: Pathogenic for Hypertrophic cardiomyopathy 4. Last evaluated: 2016-04-04. Review status: criteria provided, single submitter. Criteria: ACGS Guidelines, 2013. Collection method: clinical testing. Allele origin: germline. Affected: yes. Study: VKGL Data-share Consensus.

Clinical Genetics, Academic Medical Center
Classification: Pathogenic. Review status: no assertion criteria provided. Collection method: clinical testing. Allele origin: germline. Affected: yes. Study: VKGL Data-share Consensus. Not counted in ClinVar's aggregate classification.

Diagnostic Laboratory, Department of Genetics, University Medical Center Groningen
Classification: Pathogenic. Review status: no assertion criteria provided. Collection method: clinical testing. Allele origin: germline. Affected: yes. Study: VKGL Data-share Consensus. Not counted in ClinVar's aggregate classification.

Joint Genome Diagnostic Labs from Nijmegen and Maastricht, Radboudumc and MUMC+
Classification: Pathogenic. Review status: no assertion criteria provided. Collection method: clinical testing. Allele origin: germline. Affected: yes. Study: VKGL Data-share Consensus. Not counted in ClinVar's aggregate classification.

Literature cited by the submitters: PubMed 12566107 (cited by 3 submitters); PubMed 15114369 (cited by 4 submitters); PubMed 31513939 (cited by Labcorp Genetics (formerly Invitae), Labcorp and Color Diagnostics, LLC DBA Color Health); PubMed 19035361 (cited by Color Diagnostics, LLC DBA Color Health and Victorian Clinical Genetics Services, Murdoch Childrens Research Institute); PubMed 33495596 (cited by Color Diagnostics, LLC DBA Color Health); PubMed 36082122 (cited by Color Diagnostics, LLC DBA Color Health); PubMed 25741891 (cited by Lildballe Lab, Aarhus University Hospital); PubMed 39481677 (cited by Lildballe Lab, Aarhus University Hospital); PubMed 26743238 (cited by Victorian Clinical Genetics Services, Murdoch Childrens Research Institute); PubMed 28679633 (cited by Victorian Clinical Genetics Services, Murdoch Childrens Research Institute); PubMed 29121657 (cited by Victorian Clinical Genetics Services, Murdoch Childrens Research Institute); PubMed 30847666 (cited by Victorian Clinical Genetics Services, Murdoch Childrens Research Institute); PubMed 32841044 (cited by Victorian Clinical Genetics Services, Murdoch Childrens Research Institute).

NM_000256.3(MYBPC3):c.1458-6G>A

Gene: MYBPC3 (myosin binding protein C3; minus strand). Cytogenetic location: 11p11.2.
Variant type: single nucleotide variant.
Coding change: c.1458-6G>A on transcript NM_000256.3 (MANE Select); 6 bases into the intron before coding-DNA position 1458, G replaced by A.
Molecular consequence: intron variant.
Genome position (GRCh38, 1-based): chr11:47,342,750, C>T on the plus strand (G>A on the coding strand, the complement: MYBPC3 is on the minus strand). VCF-style: chr11-47342750-C-T. GRCh37 (hg19) VCF-style: chr11-47364301-C-T.
Identifiers: ClinVar variation 42533 (VCV000042533.32), dbSNP rs375347534, ClinGen allele CA010391.